The following is an entry in ClinVar:

NM_024675.4(PALB2):c.3047T>G (p.Phe1016Cys)

Gene: PALB2 (partner and localizer of BRCA2; minus strand). Cytogenetic location: 16p12.2.
Variant type: single nucleotide variant.
Coding change: c.3047T>G on transcript NM_024675.4 (MANE Select); coding-DNA position 3047, T replaced by G.
Protein change: p.Phe1016Cys; replaces phenylalanine 1016 with cysteine.
Molecular consequence: missense variant.
Genome position (GRCh38, 1-based): chr16:23,621,428, A>C on the plus strand (T>G on the coding strand, the complement: PALB2 is on the minus strand). VCF-style: chr16-23621428-A-C. GRCh37 (hg19) VCF-style: chr16-23632749-A-C.
Other names: short protein forms F1016C.
Identifiers: ClinVar variation 246209 (VCV000246209.27), dbSNP rs879254154, ClinGen allele CA10584505.
Genomic context (GRCh38, chr16:23,621,428, plus strand): 5'-ACAATGTTGTTCATAATAGTAGTACCAAGCAGAGCTTCTTGCATCCCTTGGACCTCAGCA[A>C]AAGTTAGTATAGTCTCCTCAGGGGGCATCAAAAATTGGTTTTCTTTGCCTCTGTAATTAA-3'
Protein context (NP_078951.2, residues 1006-1026): LMPPEETILT[Phe1016Cys]AEVQGMQEAL

ClinVar aggregate classification (germline): Uncertain significance. Review status: criteria provided, multiple submitters, no conflicts (2 of 4 stars). 6 submissions from 6 submitters: Uncertain significance (6). Last evaluated 2025-11-25.

Conditions:
Breast-ovarian cancer, familial, susceptibility to, 5 (BROVCA5). Identifiers: MedGen C5830615, MONDO:0957530, OMIM 620442.
Fanconi anemia complementation group N. Also called: PALB2-Related Fanconi Anemia. Identifiers: Orphanet 84, MedGen C1835817, MONDO:0012565, OMIM 610832. Disease mechanism: loss of function.
Pancreatic cancer, susceptibility to, 3. Identifiers: Orphanet 1333, MedGen C3150547, MONDO:0013236, OMIM 613348.
Hereditary cancer-predisposing syndrome. Also called: Neoplastic Syndromes, Hereditary; Tumor predisposition; Hereditary neoplastic syndrome; Hereditary Cancer Syndrome. Identifiers: Orphanet 140162, MedGen C0027672, MeSH D009386, MONDO:0015356.
Familial cancer of breast. Also called: BREAST CANCER, FAMILIAL; Hereditary breast cancer; hereditary breast carcinoma. Identifiers: Orphanet 227535, MedGen C0346153, MONDO:0016419, OMIM 114480. Disease mechanism: loss of function.

Allele frequency attached by ClinVar (database versions not stated): gnomAD exomes below 0.00001.

Submissions (6):

Color Diagnostics, LLC DBA Color Health
Classification: Uncertain significance for Hereditary cancer-predisposing syndrome. Last evaluated: 2025-11-25. Review status: criteria provided, single submitter. Criteria: ACMG Guidelines, 2015. Collection method: clinical testing. Allele origin: germline.
Comment: This missense variant replaces phenylalanine with cysteine at codon 1016 of the PALB2 protein. This is a missense variant in a gene for which primarily truncating variants are known to cause disease. To our knowledge, functional studies have not been reported for this variant. This variant has been detected in a breast cancer case-control meta-analysis in 0/60466 cases and 1/53461 unaffected individuals (PMID: 33471991Leiden Open Variation Database DB-ID PALB2_010792). This variant has not been identified in the general population by the Genome Aggregation Database (gnomAD). The available evidence is insufficient to determine the role of this variant in disease conclusively. Therefore, this variant is classified as a Variant of Uncertain Significance.

Ambry Genetics
Classification: Uncertain significance for Hereditary cancer-predisposing syndrome. Last evaluated: 2025-03-05. Review status: criteria provided, single submitter. Criteria: Ambry Variant Classification Scheme 2023. Collection method: clinical testing. Allele origin: germline.
Comment: The p.F1016C variant (also known as c.3047T>G), located in coding exon 10 of the PALB2 gene, results from a T to G substitution at nucleotide position 3047. The phenylalanine at codon 1016 is replaced by cysteine, an amino acid with highly dissimilar properties. This amino acid position is highly conserved in available vertebrate species. In addition, the in silico prediction for this alteration is inconclusive. Since supporting evidence is limited at this time, the clinical significance of this alteration remains unclear.

Labcorp Genetics (formerly Invitae), Labcorp
Classification: Uncertain significance for Familial cancer of breast. Last evaluated: 2024-12-05. Review status: criteria provided, single submitter. Criteria: Invitae Variant Classification Sherloc (09022015). Collection method: clinical testing. Allele origin: germline.
Comment: This sequence change replaces phenylalanine, which is neutral and non-polar, with cysteine, which is neutral and slightly polar, at codon 1016 of the PALB2 protein (p.Phe1016Cys). This variant is not present in population databases (gnomAD no frequency). This variant has not been reported in the literature in individuals affected with PALB2-related conditions. ClinVar contains an entry for this variant (Variation ID: 246209). Invitae Evidence Modeling of protein sequence and biophysical properties (such as structural, functional, and spatial information, amino acid conservation, physicochemical variation, residue mobility, and thermodynamic stability) indicates that this missense variant is expected to disrupt PALB2 protein function with a positive predictive value of 80%. In summary, the available evidence is currently insufficient to determine the role of this variant in disease. Therefore, it has been classified as a Variant of Uncertain Significance.

Fulgent Genetics
Classification: Uncertain significance for Fanconi anemia complementation group N; Pancreatic cancer, susceptibility to, 3; Breast-ovarian cancer, familial, susceptibility to, 5. Last evaluated: 2024-06-13. Review status: criteria provided, single submitter. Criteria: ACMG Guidelines, 2015. Collection method: clinical testing. Allele origin: germline.

Baylor Genetics
Classification: Uncertain significance for Familial cancer of breast. Last evaluated: 2023-05-15. Review status: criteria provided, single submitter. Criteria: ACMG Guidelines, 2015. Collection method: clinical testing. Allele origin: unknown.

GeneDx
Classification: Uncertain significance. Last evaluated: 2020-02-12. Review status: criteria provided, single submitter. Criteria: GeneDx Variant Classification Process June 2021. Collection method: clinical testing. Allele origin: germline. Affected: yes.
Comment: Not observed in large population cohorts (Lek 2016); In silico analysis supports that this missense variant has a deleterious effect on protein structure/function; Has not been previously published as pathogenic or benign to our knowledge; This variant is associated with the following publications: (PMID: 25666743)

Literature cited by the submitters: PubMed 33471991 (cited by Color Diagnostics, LLC DBA Color Health).